The following is an entry in ClinVar:

ClinVar aggregate classification (germline): Benign/Likely benign. Review status: criteria provided, multiple submitters, no conflicts (2 of 4 stars). 3 submissions from 3 submitters: Benign (1); Likely benign (2). Last evaluated 2025-06-09.

Conditions:
Tuberous sclerosis 2 (TSC2). Identifiers: Orphanet 805, MedGen C1860707, MONDO:0013199, OMIM 613254.
Hereditary cancer-predisposing syndrome. Also called: Neoplastic Syndromes, Hereditary; Hereditary Cancer Syndrome; Hereditary neoplastic syndrome; Tumor predisposition. Identifiers: Orphanet 140162, MedGen C0027672, MeSH D009386, MONDO:0015356.

Submissions (3):

Myriad Genetics, Inc.
Classification: Benign for Tuberous sclerosis 2. Last evaluated: 2025-06-09. Review status: criteria provided, single submitter. Criteria: Myriad Autosomal Dominant, Autosomal Recessive and X-Linked Classification Criteria (2023). Collection method: clinical testing. Allele origin: unknown.
Comment: This variant is considered benign. This variant is a silent/synonymous amino acid change and it is not expected to impact splicing.

Labcorp Genetics (formerly Invitae), Labcorp
Classification: Likely benign for Tuberous sclerosis 2. Last evaluated: 2025-01-06. Review status: criteria provided, single submitter. Criteria: Invitae Variant Classification Sherloc (09022015). Collection method: clinical testing. Allele origin: germline.

Ambry Genetics
Classification: Likely benign for Hereditary cancer-predisposing syndrome. Last evaluated: 2020-12-17. Review status: criteria provided, single submitter. Criteria: Ambry Variant Classification Scheme 2023. Collection method: clinical testing. Allele origin: germline.

NM_000548.5(TSC2):c.5352C>A (p.Pro1784=)

Gene: TSC2 (TSC complex subunit 2; plus strand). Cytogenetic location: 16p13.3.
Variant type: single nucleotide variant.
Coding change: c.5352C>A on transcript NM_000548.5 (MANE Select); coding-DNA position 5352, C replaced by A.
Protein change: p.Pro1784=; no amino-acid change (proline 1784 retained).
Molecular consequence: synonymous variant.
Genome position (GRCh38, 1-based): chr16:2,088,538, C>A. VCF-style: chr16-2088538-C-A. GRCh37 (hg19) VCF-style: chr16-2138539-C-A.
Other names: c.5151C>A, p.Pro1717= (NM_001077183.3); c.5283C>A, p.Pro1761= (NM_001114382.3); c.5043C>A, p.Pro1681= (NM_001318827.2); c.5007C>A, p.Pro1669= (NM_001318829.2); c.4620C>A, p.Pro1540= (NM_001318831.2); c.5184C>A, p.Pro1728= (NM_001318832.2); c.5154C>A, p.Pro1718= (NM_001363528.2); c.5220C>A, p.Pro1740= (NM_001370404.1); and 2 more.
Identifiers: ClinVar variation 1158466 (VCV001158466.12), dbSNP rs1367848310, ClinGen allele CA493043723.